The following continues an entry in ClinVar:

NM_000277.3(PAH):c.1042C>G (p.Leu348Val)

Gene: PAH. ClinVar aggregate classification (germline): Pathogenic. Pathogenic (17).

Submissions 15 to 22 of 22:

Women's Health and Genetics/Laboratory Corporation of America, LabCorp
Classification: Pathogenic for Phenylketonuria. Last evaluated: 2018-07-24. Review status: criteria provided, single submitter. Criteria: LabCorp Variant Classification Summary - May 2015. Collection method: clinical testing. Allele origin: germline.
Comment: Variant summary: PAH c.1042C>G (p.Leu348Val) results in a conservative amino acid change located in the in the catalytic domain (Sarkissian 2011) of the encoded protein sequence. Four of five in-silico tools predict a damaging effect of the variant on protein function. The variant allele was found at a frequency of 0.00011 in 276972 control chromosomes (gnomAD). This frequency is not significantly higher than expected for a pathogenic variant in PAH causing Phenylalanine Hydroxylase Deficiency (Phenylketonuria) (0.00011 vs 0.0079), allowing no conclusion about variant significance. c.1042C>G has been reported in the literature in multiple individuals affected with the classic and mild form of Phenylalanine Hydroxylase Deficiency (i.e. Phenylketonuria) (e.g. Quirk 2012, Sarkissian 2011, Jeannesson-Thivisol 2015). These data indicate that the variant is very likely to be associated with disease. Publications also reported experimental evidence evaluating an impact on protein function. The most pronounced variant effect results in 20%-40% of normal activity (see e.g. Benit 1999, Zurfluh 2008), with variable Bh4 responsivity, depending on the genotype (Sarkissian 2011, Jeannesson-Thivisol 2015). Four clinical diagnostic laboratories have submitted clinical-significance assessments for this variant to ClinVar after 2014 without evidence for independent evaluation. All laboratories classified the variant as pathogenic. Based on the evidence outlined above, the variant was classified as pathogenic.

Eurofins Ntd Llc (ga)
Classification: Pathogenic. Last evaluated: 2014-05-20. Review status: criteria provided, single submitter. Criteria: EGL Classification Definitions 2015. Collection method: clinical testing. Allele origin: germline. Observed: 23 variant alleles, 22 heterozygotes, 1 homozygote.

Clinical Genetics Service, Universitary Hospital 12 de Octubre
Classification: Pathogenic for Phenylketonuria. Review status: criteria provided, single submitter. Criteria: ACMG Guidelines, 2015. Collection method: clinical testing. Allele origin: germline. Affected: yes.

PreventionGenetics, part of Exact Sciences
Classification: Pathogenic for PAH-related condition. Last evaluated: 2023-11-16. Review status: no assertion criteria provided. Collection method: clinical testing. Allele origin: germline. Not counted in ClinVar's aggregate classification.
Comment: The PAH c.1042C>G variant is predicted to result in the amino acid substitution p.Leu348Val. This variant has been reported in the homozygous state or heterozygous state with a second PAH variant in individuals with hyperphenylalaninemia (e.g., Eisensmith et al. 1992. PubMed ID: 1301187; Jeannesson-Thivisol et al. 2015. PubMed ID: 26666653; Himmelreich et al. 2018. PubMed ID: 30037505, Table S3 in Hillert et al. 2020. PubMed ID: 32668217). It has been associated with mild or classic phenylketonuria (PKU) (Réblová et al. 2015. PubMed ID: 25750018; Himmelreich et al. 2018. PubMed ID: 30037505). The p.Leu348 amino acid is located in the enzyme active site crevice (Dobrowolski et al. 2009. PubMed ID: 18937047) and the p.Leu348Val substitution has been reported to moderately reduce enzyme activity (Couce et al. 2013. PubMed ID: 23500595; Himmelreich et al. 2018. PubMed ID: 30037505). The p.Leu348Val amino acid substitution has been reported to lead to a PAH protein that is responsive to tetrahydrobiopterin (BH4) (Zurflüh et al. 2008. PubMed ID: 17935162). This variant has been interpreted as pathogenic by multiple outside laboratories. Taken together, we interpret this variant as pathogenic.

Counsyl
Classification: Pathogenic for Phenylketonuria. Last evaluated: 2016-01-22. Review status: no assertion criteria provided. Collection method: clinical testing. Allele origin: unknown. Not counted in ClinVar's aggregate classification.

DeBelle Laboratory for Biochemical Genetics, MUHC/MCH RESEARCH INSTITUTE
No classification provided. Review status: no classification provided. Collection method: not provided. Allele origin: not provided. Not counted in ClinVar's aggregate classification.

Genome Diagnostics Laboratory, University Medical Center Utrecht
Classification: Pathogenic. Review status: no assertion criteria provided. Collection method: clinical testing. Allele origin: germline. Affected: yes. Study: VKGL Data-share Consensus. Not counted in ClinVar's aggregate classification.

Joint Genome Diagnostic Labs from Nijmegen and Maastricht, Radboudumc and MUMC+
Classification: Pathogenic. Review status: no assertion criteria provided. Collection method: clinical testing. Allele origin: germline. Affected: yes. Study: VKGL Data-share Consensus. Not counted in ClinVar's aggregate classification.

Literature cited by the submitters: PubMed 1301187 (cited by 5 submitters); PubMed 8632937 (cited by Labcorp Genetics (formerly Invitae), Labcorp and Quest Diagnostics Nichols Institute San Juan Capistrano); PubMed 18937047 (cited by 5 submitters); PubMed 20082265 (cited by 3 submitters); PubMed 10479481 (cited by 6 submitters); PubMed 17935162 (cited by 5 submitters); PubMed 23500595 (cited by 5 submitters); PubMed 25596310 (cited by 6 submitters); PubMed 21953985 (cited by 4 submitters); PubMed 33375644 (cited by 3 submitters); PubMed 23430918 (cited by 3 submitters); PubMed 22841515 (cited by 4 submitters); PubMed 24190797 (cited by 3 submitters); PubMed 26666653 (cited by 4 submitters); PubMed 29102225 (cited by Mayo Clinic Laboratories, Mayo Clinic); PubMed 30037505 (cited by 3 submitters); PubMed 31355225 (cited by 3 submitters); PubMed 31623983 (cited by 3 submitters); PubMed 33465300 (cited by Mayo Clinic Laboratories, Mayo Clinic and Quest Diagnostics Nichols Institute San Juan Capistrano); PubMed 34828281 (cited by Mayo Clinic Laboratories, Mayo Clinic and Quest Diagnostics Nichols Institute San Juan Capistrano); PubMed 24350308 (cited by 3 submitters); PubMed 15464430 (cited by Quest Diagnostics Nichols Institute San Juan Capistrano and Counsyl); PubMed 12655553 (cited by Quest Diagnostics Nichols Institute San Juan Capistrano and Counsyl); PubMed 11524738 (cited by Quest Diagnostics Nichols Institute San Juan Capistrano and Counsyl); PubMed 11385716 (cited by Quest Diagnostics Nichols Institute San Juan Capistrano and Counsyl); PubMed 11180595 (cited by Quest Diagnostics Nichols Institute San Juan Capistrano and Counsyl); PubMed 10679941 (cited by Quest Diagnostics Nichols Institute San Juan Capistrano and Counsyl); PubMed 9012412 (cited by Quest Diagnostics Nichols Institute San Juan Capistrano and Counsyl); PubMed 8533759 (cited by Quest Diagnostics Nichols Institute San Juan Capistrano and Counsyl); PubMed 30648773 (cited by Quest Diagnostics Nichols Institute San Juan Capistrano).